The following is an entry in ClinVar:

ClinVar aggregate classification (germline): Uncertain significance (1 of 4 stars; one submission).

Submission:

Labcorp Genetics (formerly Invitae), Labcorp
Classification: Uncertain significance. Last evaluated: 2022-02-24. Review status: criteria provided, single submitter. Criteria: Invitae Variant Classification Sherloc (09022015). Collection method: clinical testing. Allele origin: germline.
Comment: This sequence change replaces proline, which is neutral and non-polar, with leucine, which is neutral and non-polar, at codon 93 of the IMPG2 protein (p.Pro93Leu). In summary, the available evidence is currently insufficient to determine the role of this variant in disease. Therefore, it has been classified as a Variant of Uncertain Significance. Algorithms developed to predict the effect of missense changes on protein structure and function are either unavailable or do not agree on the potential impact of this missense change (SIFT: "Deleterious"; PolyPhen-2: "Benign"; Align-GVGD: "Class C15"). This variant has not been reported in the literature in individuals affected with IMPG2-related conditions. This variant is not present in population databases (gnomAD no frequency).

NM_016247.4(IMPG2):c.278C>T (p.Pro93Leu)

Gene: IMPG2 (interphotoreceptor matrix proteoglycan 2; minus strand). Cytogenetic location: 3q12.3.
Variant type: single nucleotide variant.
Coding change: c.278C>T on transcript NM_016247.4 (MANE Select); coding-DNA position 278, C replaced by T.
Protein change: p.Pro93Leu; replaces proline 93 with leucine.
Molecular consequence: missense variant.
Genome position (GRCh38, 1-based): chr3:101,319,640, G>A on the plus strand (C>T on the coding strand, the complement: IMPG2 is on the minus strand). VCF-style: chr3-101319640-G-A. GRCh37 (hg19) VCF-style: chr3-101038484-G-A.
Other names: short protein forms P93L.
Identifiers: ClinVar variation 1369740 (VCV001369740.6), dbSNP rs2107148718, ClinGen allele CA353857741.